The following is an entry in ClinVar:

NM_030632.3(ASXL3):c.6108C>T (p.Pro2036=)

Gene: ASXL3 (ASXL transcriptional regulator 3; plus strand). Cytogenetic location: 18q12.1.
Variant type: single nucleotide variant.
Coding change: c.6108C>T on transcript NM_030632.3 (MANE Select); coding-DNA position 6108, C replaced by T.
Protein change: p.Pro2036=; no amino-acid change (proline 2036 retained).
Molecular consequence: synonymous variant.
Genome position (GRCh38, 1-based): chr18:33,745,956, C>T. VCF-style: chr18-33745956-C-T. GRCh37 (hg19) VCF-style: chr18-31325920-C-T.
Identifiers: ClinVar variation 4938607 (VCV004938607.2).

ClinVar aggregate classification (germline): Likely benign. Review status: criteria provided, multiple submitters, no conflicts (2 of 4 stars). 2 submissions from 2 submitters: Likely benign (2). Last evaluated 2026-08-01.

gnomAD v4.1: 418 of 1,536,028 alleles (0.027%); highest among the groups gnomAD compares: Non-Finnish European, 0.035%; 1 homozygote.

Submissions (2):

CeGaT Center for Human Genetics Tuebingen
Classification: Likely benign. Last evaluated: 2026-08-01. Review status: criteria provided, single submitter. Criteria: CeGaT Center For Human Genetics Tuebingen Variant Classification Criteria Version 2. Collection method: clinical testing. Allele origin: germline. Affected: yes. Observed: 1 variant allele.
Comment: ASXL3: BP4, BP7

Blueprint Genetics
Classification: Likely benign. Last evaluated: 2024-10-23. Review status: criteria provided, single submitter. Criteria: ACMG Guidelines, 2015. Collection method: clinical testing. Allele origin: germline.